The following is an entry in ClinVar:

NM_000202.8(IDS):c.1432G>A (p.Asp478Asn)

Gene: IDS (iduronate 2-sulfatase; minus strand). Cytogenetic location: Xq28.
Variant type: single nucleotide variant.
Coding change: c.1432G>A on transcript NM_000202.8 (MANE Select); coding-DNA position 1432, G replaced by A.
Protein change: p.Asp478Asn; replaces aspartic acid 478 with asparagine.
Molecular consequence: missense variant.
Genome position (GRCh38, 1-based): chrX:149,482,967, C>T on the plus strand (G>A on the coding strand, the complement: IDS is on the minus strand). VCF-style: chrX-149482967-C-T. GRCh37 (hg19) VCF-style: chrX-148564498-C-T.
Other names: c.1162G>A, p.Asp388Asn (NM_001166550.4); short protein forms D388N, D478N.
Identifiers: ClinVar variation 3256056 (VCV003256056.2).
Genomic context (GRCh38, chrX:149,482,967, plus strand): 5'-TATAGTCTATGGTGCGTATGGAATAGCCCATGATCTTTATATCTTTTAAACTCGGCTTGT[C>T]AGAATTCCACTGAGGGATGTCTGAAGGCCGGGGATACTGGCTATAGGCAATCAGTTCACG-3'
Protein context (NP_000193.1, residues 468-488): RPSDIPQWNS[Asp478Asn]KPSLKDIKIM

ClinVar aggregate classification (germline): Likely pathogenic (1 of 4 stars; one submission).

Conditions:
Mucopolysaccharidosis, MPS-II (MPS2). Also called: Hunter Syndrome; IDURONATE 2-SULFATASE DEFICIENCY; Mucopolysaccharidosis Type II; Mucopolysaccharidosis type 2; Attenuated MPS (subtype; formerly known as mild MPS II); Severe MPS II. Identifiers: Orphanet 580, Orphanet 79388, MedGen C0026705, MONDO:0010674, OMIM 309900.

Submission:

Laboratory of Diagnosis and Therapy of Lysosomal Disorders, University of Padova
Classification: Likely pathogenic for Mucopolysaccharidosis, MPS-II. Last evaluated: 2024-06-07. Review status: criteria provided, single submitter. Criteria: ACMG Guidelines, 2015. Collection method: literature only. Allele origin: germline. Affected: yes. Observed: 2 variant alleles.
Comment: Absent from controls (or at low frequency) in gnomAD database (PM2_Moderate), Missense variant in a gene with a low rate of benign missense variation (PP2_Supporting), Patient’s phenotype or family history highly specific for the disease (PP4_Strong)

Classification method: ACMG Guidelines [PMID:25741868] with modifications

Literature cited by the submitters: PubMed 22976768; PubMed 33676511.